The following is an entry in ClinVar:

ClinVar aggregate classification (germline): Uncertain significance (1 of 4 stars; one submission).

Conditions:
Severe combined immunodeficiency due to DNA-PKcs deficiency. Also called: IMMUNODEFICIENCY 26 WITH NEUROLOGIC ABNORMALITIES; Immunodeficiency 26 with or without neurologic abnormalities. Identifiers: Orphanet 317425, MedGen C4014833, MONDO:0014423, OMIM 615966.

gnomAD v4.1: 3 of 1,610,128 alleles (0.00019%); highest among the groups gnomAD compares: South Asian, 0.0033%; no homozygotes.

Submission:

Labcorp Genetics (formerly Invitae), Labcorp
Classification: Uncertain significance for Severe combined immunodeficiency due to DNA-PKcs deficiency. Last evaluated: 2021-10-12. Review status: criteria provided, single submitter. Criteria: Invitae Variant Classification Sherloc (09022015). Collection method: clinical testing. Allele origin: germline.
Comment: In summary, the available evidence is currently insufficient to determine the role of this variant in disease. Therefore, it has been classified as a Variant of Uncertain Significance. Experimental studies and prediction algorithms are not available or were not evaluated, and the functional significance of this variant is currently unknown. This variant has not been reported in the literature in individuals affected with PRKDC-related conditions. This variant is not present in population databases (ExAC no frequency). This sequence change replaces glutamic acid with glycine at codon 3056 of the PRKDC protein (p.Glu3056Gly). The glutamic acid residue is moderately conserved and there is a moderate physicochemical difference between glutamic acid and glycine.

NM_006904.7(PRKDC):c.9167A>G (p.Glu3056Gly)

Gene: PRKDC (protein kinase, DNA-activated, catalytic subunit; minus strand). Cytogenetic location: 8q11.21.
Variant type: single nucleotide variant.
Coding change: c.9167A>G on transcript NM_006904.7 (MANE Select); coding-DNA position 9167, A replaced by G.
Protein change: p.Glu3056Gly; replaces glutamic acid 3056 with glycine.
Molecular consequence: missense variant.
Genome position (GRCh38, 1-based): chr8:47,820,888, T>C on the plus strand (A>G on the coding strand, the complement: PRKDC is on the minus strand). VCF-style: chr8-47820888-T-C. GRCh37 (hg19) VCF-style: chr8-48733449-T-C.
Other names: c.9167A>G, p.Glu3056Gly (NM_001081640.2); short protein forms E3056G.
Identifiers: ClinVar variation 1386247 (VCV001386247.6), dbSNP rs2154498990, ClinGen allele CA371139787.